The following is an entry in ClinVar:

ClinVar aggregate classification (germline): Uncertain significance. Review status: criteria provided, multiple submitters, no conflicts (2 of 4 stars). 2 submissions from 2 submitters: Uncertain significance (2). Last evaluated 2026-07-08.

Conditions:
Inborn genetic diseases. Identifiers: MedGen C0950123, MeSH D030342.
Neuropathy, hereditary sensory and autonomic, type 2A (HSAN2A). Also called: MORVAN DISEASE; NEUROPATHY, CONGENITAL SENSORY; NEUROPATHY, HEREDITARY SENSORY RADICULAR, AUTOSOMAL RECESSIVE; NEUROPATHY, HEREDITARY SENSORY, TYPE IIA; NEUROPATHY, PROGRESSIVE SENSORY, OF CHILDREN; ACROOSTEOLYSIS, GIACCAI TYPE. Identifiers: Orphanet 970, MedGen C2752089, MONDO:0024309, OMIM 201300.
Generalized epilepsy with febrile seizures plus, type 7 (GEFSP7). Also called: GEFS+, TYPE 7. Identifiers: Orphanet 36387, MedGen C2751778, MONDO:0013470, OMIM 613863.

Allele frequency attached by ClinVar (database versions not stated): gnomAD 0.00001; TOPMed below 0.00001; gnomAD exomes below 0.00001.

Submissions (2):

Ambry Genetics
Classification: Uncertain significance for Inborn genetic diseases. Last evaluated: 2026-07-08. Review status: criteria provided, single submitter. Criteria: Ambry Variant Classification Scheme 2023. Collection method: clinical testing. Allele origin: germline.
Comment: The c.4727T>C (p.I1576T) alteration is located in exon 26 (coding exon 25) of the SCN9A gene. This alteration results from a T to C substitution at nucleotide position 4727, causing the isoleucine (I) at amino acid position 1576 to be replaced by a threonine (T). Based on data from gnomAD, the C allele has an overall frequency of <0.001% (1/235636) total alleles studied. The highest observed frequency was 0.001% (1/105456) of European (non-Finnish) alleles. Based on insufficient or conflicting evidence, the clinical significance of this alteration remains unclear.

Labcorp Genetics (formerly Invitae), Labcorp
Classification: Uncertain significance for Neuropathy, hereditary sensory and autonomic, type 2A; Generalized epilepsy with febrile seizures plus, type 7. Last evaluated: 2019-10-17. Review status: criteria provided, single submitter. Criteria: Invitae Variant Classification Sherloc (09022015). Collection method: clinical testing. Allele origin: germline.
Comment: This sequence change replaces isoleucine with threonine at codon 1576 of the SCN9A protein (p.Ile1576Thr). The isoleucine residue is highly conserved and there is a moderate physicochemical difference between isoleucine and threonine. This variant is not present in population databases (ExAC no frequency). This variant has not been reported in the literature in individuals with SCN9A-related conditions. Algorithms developed to predict the effect of missense changes on protein structure and function (SIFT, PolyPhen-2, Align-GVGD) all suggest that this variant is likely to be disruptive, but these predictions have not been confirmed by published functional studies and their clinical significance is uncertain. In summary, the available evidence is currently insufficient to determine the role of this variant in disease. Therefore, it has been classified as a Variant of Uncertain Significance.

NM_001365536.1(SCN9A):c.4760T>C (p.Ile1587Thr)

Genes: SCN1A-AS1 (SCN1A and SCN9A antisense RNA 1; plus strand), SCN9A (sodium voltage-gated channel alpha subunit 9; minus strand). Cytogenetic location: 2q24.3.
Variant type: single nucleotide variant.
Coding change: c.4760T>C on transcript NM_001365536.1 (MANE Select); coding-DNA position 4760, T replaced by C.
Protein change: p.Ile1587Thr; replaces isoleucine 1587 with threonine.
Molecular consequence: missense variant.
Genome position (GRCh38, 1-based): chr2:166,203,969, A>G on the plus strand (T>C on the coding strand, the complement: SCN9A is on the minus strand). VCF-style: chr2-166203969-A-G. GRCh37 (hg19) VCF-style: chr2-167060479-A-G.
Other names: c.4727T>C, p.Ile1576Thr (NM_002977.4); short protein forms I1576T, I1587T.
Identifiers: ClinVar variation 956307 (VCV000956307.11), dbSNP rs1338654503, ClinGen allele CA349057272.
Genomic context (GRCh38, chr2:166,203,969, plus strand): 5'-TTTAGCTTTACTCAAAAAATAAAATCTGAAAAATAAATATTCTTACCTACAATGGAGATA[A>G]TCACAACCACAAAATCAAAAATATTCCATCCTACAGTGAAGTAGTAGTGTCTGAGGGAGA-3'
Protein context (NP_001352465.1, residues 1577-1597): GWNIFDFVVV[Ile1587Thr]ISIVGMFLAD